The following is an entry in ClinVar:

NM_001005361.3(DNM2):c.72C>T (p.Gly24=)

Genes: DNM2 (dynamin 2; plus strand), LOC130063529 (ATAC-STARR-seq lymphoblastoid silent region 10090; plus strand). Cytogenetic location: 19p13.2.
Variant type: single nucleotide variant.
Coding change: c.72C>T on transcript NM_001005361.3 (MANE Select); coding-DNA position 72, C replaced by T.
Protein change: p.Gly24=; no amino-acid change (glycine 24 retained).
Molecular consequence: synonymous variant.
Genome position (GRCh38, 1-based): chr19:10,718,314, C>T. VCF-style: chr19-10718314-C-T. GRCh37 (hg19) VCF-style: chr19-10828990-C-T.
Other names: c.72C>T, p.Gly24= (NM_001005360.3, NM_001005362.3, NM_001190716.2 and 1 more transcripts).
Identifiers: ClinVar variation 864130 (VCV000864130.32), dbSNP rs2068819928, ClinGen allele CA505483395.

ClinVar aggregate classification (germline): Likely benign. Review status: criteria provided, multiple submitters, no conflicts (2 of 4 stars). 2 submissions from 2 submitters: Likely benign (2). Last evaluated 2023-01-01.

Conditions:
Charcot-Marie-Tooth disease dominant intermediate B (CMTDIB). Also called: Charcot-Marie-Tooth disease dominant intermediate 1; CMT DI1; Charcot-Marie-Tooth disease dominant intermediate I; CHARCOT-MARIE-TOOTH NEUROPATHY, DOMINANT INTERMEDIATE B. Identifiers: Orphanet 100044, Orphanet 228179, MedGen C1847902, MONDO:0011674, OMIM 606482.

gnomAD v4.1: 1 of 1,511,476 alleles (0.000066%); highest among the groups gnomAD compares: Non-Finnish European, 0.000088%; no homozygotes.

Submissions (2):

CeGaT Center for Human Genetics Tuebingen
Classification: Likely benign. Last evaluated: 2023-01-01. Review status: criteria provided, single submitter. Criteria: CeGaT Center For Human Genetics Tuebingen Variant Classification Criteria Version 2. Collection method: clinical testing. Allele origin: germline. Affected: yes. Observed: 1 variant allele.
Comment: DNM2: PM2:Supporting, BP4, BP7

Labcorp Genetics (formerly Invitae), Labcorp
Classification: Likely benign for Charcot-Marie-Tooth disease dominant intermediate B. Last evaluated: 2022-09-01. Review status: criteria provided, single submitter. Criteria: Invitae Variant Classification Sherloc (09022015). Collection method: clinical testing. Allele origin: germline.